The following is an entry in ClinVar:

NM_014334.4(FRRS1L):c.-45C>T

Gene: FRRS1L (ferric chelate reductase 1 like; minus strand). Cytogenetic location: 9q31.3.
Variant type: single nucleotide variant.
Coding change: c.-45C>T on transcript NM_014334.4 (MANE Select); 45 bases upstream of the start codon, C replaced by T.
Molecular consequence: 5 prime UTR variant.
Genome position (GRCh38, 1-based): chr9:109,167,183, G>A on the plus strand (C>T on the coding strand, the complement: FRRS1L is on the minus strand). VCF-style: chr9-109167183-G-A. GRCh37 (hg19) VCF-style: chr9-111929463-G-A.
Identifiers: ClinVar variation 2079029 (VCV002079029.4), dbSNP rs1235133106, ClinGen allele CA374430870.

ClinVar aggregate classification (germline): Uncertain significance (1 of 4 stars; one submission).

Conditions:
Developmental and epileptic encephalopathy, 37 (DEE37). Also called: Epileptic encephalopathy, early infantile, 37. Identifiers: MedGen C4310770, MONDO:0014859, OMIM 616981.

Allele frequency attached by ClinVar (database versions not stated): TOPMed below 0.00001.
gnomAD v4.1: 16 of 1,159,838 alleles (0.0014%); highest among the groups gnomAD compares: Non-Finnish European, 0.0017%; no homozygotes.

Submission:

Labcorp Genetics (formerly Invitae), Labcorp
Classification: Uncertain significance for Developmental and epileptic encephalopathy, 37. Last evaluated: 2024-01-02. Review status: criteria provided, single submitter. Criteria: Invitae Variant Classification Sherloc (09022015). Collection method: clinical testing. Allele origin: germline.
Comment: This sequence change replaces proline, which is neutral and non-polar, with serine, which is neutral and polar, at codon 37 of the FRRS1L protein (p.Pro37Ser). The frequency data for this variant in the population databases is considered unreliable, as metrics indicate insufficient coverage at this position in the gnomAD database. This variant has not been reported in the literature in individuals affected with FRRS1L-related conditions. ClinVar contains an entry for this variant (Variation ID: 2079029). Experimental studies and prediction algorithms are not available or were not evaluated, and the functional significance of this variant is currently unknown. In summary, the available evidence is currently insufficient to determine the role of this variant in disease. Therefore, it has been classified as a Variant of Uncertain Significance.